The following is an entry in ClinVar:

NM_000548.5(TSC2):c.4753_4755delinsGAC (p.Lys1585Asp)

Gene: TSC2 (TSC complex subunit 2; plus strand). Cytogenetic location: 16p13.3.
Variant type: Indel.
Coding change: c.4753_4755delinsGAC on transcript NM_000548.5 (MANE Select); coding-DNA positions 4753 to 4755, AAG replaced by GAC.
Protein change: p.Lys1585Asp; replaces lysine 1585 with aspartic acid.
Molecular consequence: missense variant. On other transcripts: non-coding transcript variant (5).
Genome position (GRCh38, 1-based): chr16:2,086,283-2,086,285, AAG replaced by GAC. VCF-style: chr16-2086283-AAG-GAC. GRCh37 (hg19) VCF-style: chr16-2136284-AAG-GAC.
Other names: c.4552_4554delinsGAC, p.Lys1518Asp (NM_001077183.3); c.4684_4686delinsGAC, p.Lys1562Asp (NM_001114382.3); c.4444_4446delinsGAC, p.Lys1482Asp (NM_001318827.2); c.4408_4410delinsGAC, p.Lys1470Asp (NM_001318829.2); c.4021_4023delinsGAC, p.Lys1341Asp (NM_001318831.2); c.4585_4587delinsGAC, p.Lys1529Asp (NM_001318832.2); c.4555_4557delinsGAC, p.Lys1519Asp (NM_001363528.2); c.4621_4623delinsGAC, p.Lys1541Asp (NM_001370404.1); and 26 more; short protein forms K1070D, K1071D, K1093D, K1094D, K1114D, K1318D, K1319D, K1341D.
Identifiers: ClinVar variation 3232175 (VCV003232175.1), dbSNP rs2544374833, ClinGen allele CA2825002341.

ClinVar aggregate classification (germline): Uncertain significance (1 of 4 stars; one submission).

Conditions:
Hereditary cancer-predisposing syndrome. Also called: Neoplastic Syndromes, Hereditary; Tumor predisposition; Hereditary neoplastic syndrome; Hereditary Cancer Syndrome. Identifiers: Orphanet 140162, MedGen C0027672, MeSH D009386, MONDO:0015356.

Submission:

Ambry Genetics
Classification: Uncertain significance for Hereditary cancer-predisposing syndrome. Last evaluated: 2024-02-20. Review status: criteria provided, single submitter. Criteria: Ambry Variant Classification Scheme 2023. Collection method: clinical testing. Allele origin: germline.
Comment: The c.4753_4755delAAGinsGAC variant, located in coding exon 36 of the TSC2 gene, results from an in-frame deletion of AAG and insertion of GAC at nucleotide positions 4753 to 4755. This results in the substitution of the lysine residue for an aspartic acid residue at codon 1585, an amino acid with dissimilar properties. This amino acid position is highly conserved in available vertebrate species. In addition, the in silico prediction for this alteration is inconclusive (Choi Y et al. PLoS ONE. 2012; 7(10):e46688). Based on the available evidence, the clinical significance of this alteration remains unclear.